The following is an entry in ClinVar:

NM_017780.4(CHD7):c.3061G>T (p.Val1021Leu)

Gene: CHD7 (chromodomain helicase DNA binding protein 7; plus strand). Cytogenetic location: 8q12.2.
Variant type: single nucleotide variant.
Coding change: c.3061G>T on transcript NM_017780.4 (MANE Select); coding-DNA position 3061, G replaced by T.
Protein change: p.Val1021Leu; replaces valine 1021 with leucine.
Molecular consequence: missense variant. On other transcripts: intron variant (1).
Genome position (GRCh38, 1-based): chr8:60,822,606, G>T. VCF-style: chr8-60822606-G-T. GRCh37 (hg19) VCF-style: chr8-61735165-G-T.
Other names: c.1717-39623G>T (NM_001316690.1); short protein forms V1021L.
Identifiers: ClinVar variation 2849199 (VCV002849199.3), dbSNP rs2487811739, ClinGen allele CA371309629.
Genomic context (GRCh38, chr8:60,822,606, plus strand): 5'-ATCCAGTCCATTACATTTCTCTATGAGATATATTTGAAAGGAATCCATGGCCCTTTTTTA[G>T]TAATTGCCCCATTGTCCACAATCCCCAACTGGGAAAGGGAATTCCGAACCTGGACAGAGT-3'
Protein context (NP_060250.2, residues 1011-1031): YLKGIHGPFL[Val1021Leu]IAPLSTIPNW

ClinVar aggregate classification (germline): Uncertain significance (1 of 4 stars; one submission).

Conditions:
CHARGE syndrome (CHARGE). Also called: Hittner Hirsch Kreh syndrome; CHARGE ASSOCIATION--COLOBOMA, HEART ANOMALY, CHOANAL ATRESIA, RETARDATION, GENITAL AND EAR ANOMALIES; Coloboma, heart anomaly, choanal atresia, retardation, genital and ear anomalies; CHARGE association; Hall-Hittner syndrome. Identifiers: Orphanet 138, MedGen C0265354, MONDO:0008965.

Submission:

Labcorp Genetics (formerly Invitae), Labcorp
Classification: Uncertain significance for CHARGE syndrome. Last evaluated: 2023-11-20. Review status: criteria provided, single submitter. Criteria: Invitae Variant Classification Sherloc (09022015). Collection method: clinical testing. Allele origin: germline.
Comment: This sequence change replaces valine, which is neutral and non-polar, with leucine, which is neutral and non-polar, at codon 1021 of the CHD7 protein (p.Val1021Leu). This variant is not present in population databases (gnomAD no frequency). This variant has not been reported in the literature in individuals affected with CHD7-related conditions. Advanced modeling of protein sequence and biophysical properties (such as structural, functional, and spatial information, amino acid conservation, physicochemical variation, residue mobility, and thermodynamic stability) performed at Invitae indicates that this missense variant is expected to disrupt CHD7 protein function with a positive predictive value of 80%. In summary, the available evidence is currently insufficient to determine the role of this variant in disease. Therefore, it has been classified as a Variant of Uncertain Significance.